The following is an entry in ClinVar:

ClinVar aggregate classification (germline): Benign (1 of 4 stars; one submission).

Allele frequency attached by ClinVar (database versions not stated): gnomAD exomes 0.01722; gnomAD 0.06820 and 0.07221; 1000 Genomes Project 0.07608; TOPMed 0.07732; 1000 Genomes Project 30x 0.08057.

Submission:

GeneDx
Classification: Benign. Last evaluated: 2018-06-14. Review status: criteria provided, single submitter. Criteria: GeneDx Variant Classification (06012015). Collection method: clinical testing. Allele origin: germline. Affected: yes.
Comment: This variant is considered likely benign or benign based on one or more of the following criteria: it is a conservative change, it occurs at a poorly conserved position in the protein, it is predicted to be benign by multiple in silico algorithms, and/or has population frequency not consistent with disease.

NM_017882.3(CLN6):c.298-248G>A

Gene: CLN6 (CLN6 transmembrane ER protein; minus strand). Cytogenetic location: 15q23.
Variant type: single nucleotide variant.
Coding change: c.298-248G>A on transcript NM_017882.3 (MANE Select); 248 bases into the intron before coding-DNA position 298, G replaced by A.
Molecular consequence: intron variant.
Genome position (GRCh38, 1-based): chr15:68,212,111, C>T on the plus strand (G>A on the coding strand, the complement: CLN6 is on the minus strand). VCF-style: chr15-68212111-C-T. GRCh37 (hg19) VCF-style: chr15-68504449-C-T.
Identifiers: ClinVar variation 679915 (VCV000679915.1), dbSNP rs59951468, ClinGen allele CA14178907.